The following is an entry in ClinVar:

ClinVar aggregate classification (germline): Likely benign. Review status: criteria provided, multiple submitters, no conflicts (2 of 4 stars). 6 submissions from 5 submitters: Likely benign (5). 1 of the submissions does not count toward it. Last evaluated 2026-07-28.

Conditions:
NOTCH1-related disorder. Also called: NOTCH1-related disorders; NOTCH1-related condition.
Adams-Oliver syndrome 5 (AOS5). Identifiers: Orphanet 974, MedGen C4014970, MONDO:0014459, OMIM 616028.
Aortic valve disease 1 (AOVD1). Identifiers: MedGen C3887892, MONDO:0024523, OMIM 109730.
Familial thoracic aortic aneurysm and aortic dissection (TAAD). Also called: Thoracic aortic aneurysms and dissections. Identifiers: Orphanet 91387, MedGen C4707243, MONDO:0019625.

Allele frequency attached by ClinVar (database versions not stated): gnomAD exomes 0.00004 and 0.00002; gnomAD 0.00005 and 0.00006; ESP Exome Variant Server 0.00008; TOPMed 0.00013; ExAC 0.00003.
gnomAD v4.1: 35 of 1,611,848 alleles (0.0022%); highest among the groups gnomAD compares: Admixed American, 0.032%; no homozygotes.

Submissions (6):

Ambry Genetics
Classification: Likely benign for Familial thoracic aortic aneurysm and aortic dissection. Last evaluated: 2026-07-28. Review status: criteria provided, single submitter. Criteria: Ambry Variant Classification Scheme 2023. Collection method: clinical testing. Allele origin: germline.

Labcorp Genetics (formerly Invitae), Labcorp
Classification: Likely benign for Adams-Oliver syndrome 5. Last evaluated: 2025-12-28. Review status: criteria provided, single submitter. Criteria: Invitae Variant Classification Sherloc (09022015). Collection method: clinical testing. Allele origin: germline.

Genome-Nilou Lab
Classification: Likely benign for Adams-Oliver syndrome 5. Last evaluated: 2022-03-15. Review status: criteria provided, single submitter. Criteria: ACMG Guidelines, 2015. Collection method: clinical testing. Allele origin: germline. Affected: no.

Genome-Nilou Lab
Classification: Likely benign for Aortic valve disease 1. Last evaluated: 2022-03-15. Review status: criteria provided, single submitter. Criteria: ACMG Guidelines, 2015. Collection method: clinical testing. Allele origin: germline. Affected: no.

GeneDx
Classification: Likely benign. Last evaluated: 2021-01-18. Review status: criteria provided, single submitter. Criteria: GeneDx Variant Classification Process June 2021. Collection method: clinical testing. Allele origin: germline. Affected: yes.
Comment: Nucleotide substitution has no predicted effect on splicing and is not conserved across species; Has not been previously published as pathogenic or benign to our knowledge

PreventionGenetics, part of Exact Sciences
Classification: Likely benign for NOTCH1-related condition. Last evaluated: 2022-01-07. Review status: no assertion criteria provided. Collection method: clinical testing. Allele origin: germline. Not counted in ClinVar's aggregate classification.
Comment: This variant is classified as likely benign based on ACMG/AMP sequence variant interpretation guidelines (Richards et al. 2015 PMID: 25741868, with internal and published modifications).

NM_017617.5(NOTCH1):c.5853C>T (p.Ser1951=)

Gene: NOTCH1 (notch receptor 1; minus strand). Cytogenetic location: 9q34.3.
Variant type: single nucleotide variant.
Coding change: c.5853C>T on transcript NM_017617.5 (MANE Select); coding-DNA position 5853, C replaced by T.
Protein change: p.Ser1951=; no amino-acid change (serine 1951 retained).
Molecular consequence: synonymous variant.
Genome position (GRCh38, 1-based): chr9:136,500,633, G>A on the plus strand (C>T on the coding strand, the complement: NOTCH1 is on the minus strand). VCF-style: chr9-136500633-G-A. GRCh37 (hg19) VCF-style: chr9-139395085-G-A.
Other names: c.5853C>T (NM_017617.4).
Identifiers: ClinVar variation 704935 (VCV000704935.17), dbSNP rs373902356, ClinGen allele CA5340116.